The following is an entry in ClinVar:

NM_001807.6(CEL):c.1782G>C (p.Pro594=)

Gene: CEL (carboxyl ester lipase; plus strand). Cytogenetic location: 9q34.13.
Variant type: single nucleotide variant.
Coding change: c.1782G>C on transcript NM_001807.6 (MANE Select); coding-DNA position 1782, G replaced by C.
Protein change: p.Pro594=; no amino-acid change (proline 594 retained).
Molecular consequence: synonymous variant.
Genome position (GRCh38, 1-based): chr9:133,071,284, G>C. VCF-style: chr9-133071284-G-C. GRCh37 (hg19) VCF-style: chr9-135946671-G-C.
Identifiers: ClinVar variation 2659669 (VCV002659669.25), dbSNP rs774455699, ClinGen allele CA5303542.

ClinVar aggregate classification (germline): Likely benign. Review status: criteria provided, multiple submitters, no conflicts (2 of 4 stars). 2 submissions from 2 submitters: Likely benign (2). Last evaluated 2025-12-01.

Allele frequency attached by ClinVar (database versions not stated): ExAC 0.00349.

Submissions (2):

CeGaT Center for Human Genetics Tuebingen
Classification: Likely benign. Last evaluated: 2025-12-01. Review status: criteria provided, single submitter. Criteria: CeGaT Center For Human Genetics Tuebingen Variant Classification Criteria Version 2. Collection method: clinical testing. Allele origin: germline. Affected: yes. Observed: 6 variant alleles.
Comment: CEL: BP4, BP7

Blueprint Genetics
Classification: Likely benign. Last evaluated: 2024-11-14. Review status: criteria provided, single submitter. Criteria: ACMG Guidelines, 2015. Collection method: clinical testing. Allele origin: germline.